The following is an entry in ClinVar:

NM_016038.4(SBDS):c.647G>A (p.Cys216Tyr)

Gene: SBDS (SBDS ribosome maturation factor; minus strand). Cytogenetic location: 7q11.21.
Variant type: single nucleotide variant.
Coding change: c.647G>A on transcript NM_016038.4 (MANE Select); coding-DNA position 647, G replaced by A.
Protein change: p.Cys216Tyr; replaces cysteine 216 with tyrosine.
Molecular consequence: missense variant.
Genome position (GRCh38, 1-based): chr7:66,988,477, C>T on the plus strand (G>A on the coding strand, the complement: SBDS is on the minus strand). VCF-style: chr7-66988477-C-T. GRCh37 (hg19) VCF-style: chr7-66453464-C-T.
Other names: short protein forms C216Y.
Identifiers: ClinVar variation 3437534 (VCV003437534.2).

ClinVar aggregate classification (germline): Uncertain significance. Review status: criteria provided, multiple submitters, no conflicts (2 of 4 stars). 2 submissions from 2 submitters: Uncertain significance (2). Last evaluated 2024-12-01.

Conditions:
Inborn genetic diseases. Identifiers: MedGen C0950123, MeSH D030342.

Submissions (2):

Ambry Genetics
Classification: Uncertain significance for Inborn genetic diseases. Last evaluated: 2024-12-01. Review status: criteria provided, single submitter. Criteria: Ambry Variant Classification Scheme 2023. Collection method: clinical testing. Allele origin: germline.
Comment: The p.C216Y variant (also known as c.647G>A), located in coding exon 5 of the SBDS gene, results from a G to A substitution at nucleotide position 647. The cysteine at codon 216 is replaced by tyrosine, an amino acid with highly dissimilar properties. This amino acid position is conserved. In addition, this alteration is predicted to be deleterious by in silico analysis. Based on the available evidence, the clinical significance of this variant remains unclear.

Blueprint Genetics
Classification: Uncertain significance. Last evaluated: 2021-10-22. Review status: criteria provided, single submitter. Criteria: ACMG Guidelines, 2015. Collection method: clinical testing. Allele origin: germline.